The following is an entry in ClinVar:

ClinVar aggregate classification (germline): Uncertain significance (1 of 4 stars; one submission).

Conditions:
Early Myoclonic Encephalopathy. Identifiers: MedGen C0270855.

Allele frequency attached by ClinVar (database versions not stated): gnomAD 0.00001.
gnomAD v4.1: 1 of 1,614,068 alleles (0.000062%); highest among the groups gnomAD compares: East Asian, 0.0022%; no homozygotes.

Submission:

Labcorp Genetics (formerly Invitae), Labcorp
Classification: Uncertain significance for Early Myoclonic Encephalopathy. Last evaluated: 2022-05-08. Review status: criteria provided, single submitter. Criteria: Invitae Variant Classification Sherloc (09022015). Collection method: clinical testing. Allele origin: germline.
Comment: This variant has not been reported in the literature in individuals affected with JMJD1C-related conditions. This variant is present in population databases (rs780696924, gnomAD 0.006%). This sequence change replaces asparagine, which is neutral and polar, with serine, which is neutral and polar, at codon 1279 of the JMJD1C protein (p.Asn1279Ser). Algorithms developed to predict the effect of missense changes on protein structure and function (SIFT, PolyPhen-2, Align-GVGD) all suggest that this variant is likely to be tolerated. In summary, the available evidence is currently insufficient to determine the role of this variant in disease. Therefore, it has been classified as a Variant of Uncertain Significance.

NM_032776.3(JMJD1C):c.3836A>G (p.Asn1279Ser)

Gene: JMJD1C (jumonji domain containing 1C; minus strand). Cytogenetic location: 10q21.3.
Variant type: single nucleotide variant.
Coding change: c.3836A>G on transcript NM_032776.3 (MANE Select); coding-DNA position 3836, A replaced by G.
Protein change: p.Asn1279Ser; replaces asparagine 1279 with serine.
Molecular consequence: missense variant. On other transcripts: non-coding transcript variant (1).
Genome position (GRCh38, 1-based): chr10:63,207,833, T>C on the plus strand (A>G on the coding strand, the complement: JMJD1C is on the minus strand). VCF-style: chr10-63207833-T-C. GRCh37 (hg19) VCF-style: chr10-64967593-T-C.
Other names: c.3290A>G, p.Asn1097Ser (NM_001282948.2, NM_001318154.2); c.2972A>G, p.Asn991Ser (NM_001318153.2); c.3722A>G, p.Asn1241Ser (NM_001322252.2); c.3179A>G, p.Asn1060Ser (NM_001322254.2, NM_001322258.2); short protein forms N1097S, N1241S, N1279S, N1060S, N991S.
Identifiers: ClinVar variation 2154532 (VCV002154532.4), dbSNP rs780696924, ClinGen allele CA5518370.